The following is an entry in ClinVar:

ClinVar aggregate classification (germline): Uncertain significance. Review status: criteria provided, multiple submitters, no conflicts (2 of 4 stars). 2 submissions from 2 submitters: Uncertain significance (2). Last evaluated 2025-09-10.

Conditions:
Inborn genetic diseases. Identifiers: MedGen C0950123, MeSH D030342.
Combined malonic and methylmalonic acidemia. Identifiers: Orphanet 289504, MedGen C3280314, MONDO:0013661, OMIM 614265.

Allele frequency attached by ClinVar (database versions not stated): gnomAD 0.00001; ExAC 0.00002; gnomAD exomes 0.00002.
gnomAD v4.1: 34 of 1,613,980 alleles (0.0021%); highest among the groups gnomAD compares: East Asian, 0.0067%; no homozygotes.

Submissions (2):

Ambry Genetics
Classification: Uncertain significance for Inborn genetic diseases. Last evaluated: 2025-09-10. Review status: criteria provided, single submitter. Criteria: Ambry Variant Classification Scheme 2023. Collection method: clinical testing. Allele origin: germline.

Labcorp Genetics (formerly Invitae), Labcorp
Classification: Uncertain significance for Combined malonic and methylmalonic acidemia. Last evaluated: 2022-03-01. Review status: criteria provided, single submitter. Criteria: Invitae Variant Classification Sherloc (09022015). Collection method: clinical testing. Allele origin: germline.
Comment: This sequence change replaces arginine, which is basic and polar, with cysteine, which is neutral and slightly polar, at codon 388 of the ACSF3 protein (p.Arg388Cys). This variant is present in population databases (rs769987195, gnomAD 0.007%). This variant has not been reported in the literature in individuals affected with ACSF3-related conditions. Algorithms developed to predict the effect of missense changes on protein structure and function output the following: SIFT: "Deleterious"; PolyPhen-2: "Benign"; Align-GVGD: "Class C0". The cysteine amino acid residue is found in multiple mammalian species, which suggests that this missense change does not adversely affect protein function. In summary, the available evidence is currently insufficient to determine the role of this variant in disease. Therefore, it has been classified as a Variant of Uncertain Significance.

NM_001243279.3(ACSF3):c.1162C>T (p.Arg388Cys)

Gene: ACSF3 (acyl-CoA synthetase family member 3; plus strand). Cytogenetic location: 16q24.3.
Variant type: single nucleotide variant.
Coding change: c.1162C>T on transcript NM_001243279.3 (MANE Select); coding-DNA position 1162, C replaced by T.
Protein change: p.Arg388Cys; replaces arginine 388 with cysteine.
Molecular consequence: missense variant. On other transcripts: non-coding transcript variant (3).
Genome position (GRCh38, 1-based): chr16:89,120,836, C>T. VCF-style: chr16-89120836-C-T. GRCh37 (hg19) VCF-style: chr16-89187244-C-T.
Other names: c.1162C>T (NM_174917.3); c.1162C>T, p.Arg388Cys (NM_001127214.4, NM_174917.5); c.367C>T, p.Arg123Cys (NM_001284316.2); short protein forms R388C, R123C.
Identifiers: ClinVar variation 2201195 (VCV002201195.4), dbSNP rs769987195, ClinGen allele CA8238019.